The following is an entry in ClinVar:

NM_033004.4(NLRP1):c.1681G>C (p.Ala561Pro)

Gene: NLRP1 (NLR family pyrin domain containing 1; minus strand). Cytogenetic location: 17p13.2.
Variant type: single nucleotide variant.
Coding change: c.1681G>C on transcript NM_033004.4 (MANE Select); coding-DNA position 1681, G replaced by C.
Protein change: p.Ala561Pro; replaces alanine 561 with proline.
Molecular consequence: missense variant.
Genome position (GRCh38, 1-based): chr17:5,559,015, C>G on the plus strand (G>C on the coding strand, the complement: NLRP1 is on the minus strand). VCF-style: chr17-5559015-C-G. GRCh37 (hg19) VCF-style: chr17-5462335-C-G.
Other names: c.1681G>C, p.Ala561Pro (NM_001033053.3, NM_014922.5, NM_033006.4 and 1 more transcripts); short protein forms A561P.
Identifiers: ClinVar variation 4764274 (VCV004764274.1).
Genomic context (GRCh38, chr17:5,559,015, plus strand): 5'-GCCAGATGCCCTCAGCAGCCAGAGAGCAGAGGTCTCTGAGCTGGGGTCCCAATGGCTGAG[C>G]TTGGAGAGCCTGGGCAAGGTAATGTAGACAGAGGGTTGTGGTGGTCTTGGAAGTCAGTGT-3'
Protein context (NP_127497.1, residues 551-571): CLHYLAQALQ[Ala561Pro]QPLGPQLRDL

ClinVar aggregate classification (germline): Uncertain significance (1 of 4 stars; one submission).

gnomAD v4.1: 6 of 1,614,136 alleles (0.00037%); highest among the groups gnomAD compares: Non-Finnish European, 0.00051%; no homozygotes.

Submission:

Labcorp Genetics (formerly Invitae), Labcorp
Classification: Uncertain significance. Last evaluated: 2025-08-29. Review status: criteria provided, single submitter. Criteria: Invitae Variant Classification Sherloc (09022015). Collection method: clinical testing. Allele origin: germline.
Comment: This sequence change replaces alanine, which is neutral and non-polar, with proline, which is neutral and non-polar, at codon 561 of the NLRP1 protein (p.Ala561Pro). This variant is present in population databases (no rsID available, gnomAD 0.0009%). This variant has not been reported in the literature in individuals affected with NLRP1-related conditions. An algorithm developed to predict the effect of missense changes on protein structure and function (PolyPhen-2) suggests that this variant is likely to be disruptive. In summary, the available evidence is currently insufficient to determine the role of this variant in disease. Therefore, it has been classified as a Variant of Uncertain Significance.